The following is an entry in ClinVar:

NM_017739.4(POMGNT1):c.299A>T (p.Asp100Val)

Gene: POMGNT1 (protein O-linked mannose N-acetylglucosaminyltransferase 1 (beta 1,2-); minus strand). Cytogenetic location: 1p34.1.
Variant type: single nucleotide variant.
Coding change: c.299A>T on transcript NM_017739.4 (MANE Select); coding-DNA position 299, A replaced by T.
Protein change: p.Asp100Val; replaces aspartic acid 100 with valine.
Molecular consequence: missense variant. On other transcripts: 5 prime UTR variant (1).
Genome position (GRCh38, 1-based): chr1:46,196,786, T>A on the plus strand (A>T on the coding strand, the complement: POMGNT1 is on the minus strand). VCF-style: chr1-46196786-T-A. GRCh37 (hg19) VCF-style: chr1-46662458-T-A.
Other names: c.-131A>T (NM_001290130.2); c.299A>T, p.Asp100Val (NM_001410783.1, NM_001243766.2); c.233A>T, p.Asp78Val (NM_001290129.3); short protein forms D100V, D78V.
Identifiers: ClinVar variation 1691626 (VCV001691626.3), dbSNP rs1380628146, ClinGen allele CA340191638.

ClinVar aggregate classification (germline): Uncertain significance (1 of 4 stars; one submission).

Submission:

GeneDx
Classification: Uncertain significance. Last evaluated: 2022-06-07. Review status: criteria provided, single submitter. Criteria: GeneDx Variant Classification Process June 2021. Collection method: clinical testing. Allele origin: germline. Affected: yes.
Comment: Not observed at significant frequency in large population cohorts (gnomAD); In silico analysis supports that this missense variant has a deleterious effect on protein structure/function; Has not been previously published as pathogenic or benign to our knowledge; This variant is associated with the following publications: (PMID: 24282183)